The following is an entry in ClinVar:

NM_001347721.2(DYRK1A):c.2210A>G (p.Glu737Gly)

Gene: DYRK1A (dual specificity tyrosine phosphorylation regulated kinase 1A; plus strand). Cytogenetic location: 21q22.13.
Variant type: single nucleotide variant.
Coding change: c.2210A>G on transcript NM_001347721.2 (MANE Select); coding-DNA position 2210, A replaced by G.
Protein change: p.Glu737Gly; replaces glutamic acid 737 with glycine.
Molecular consequence: missense variant. On other transcripts: 3 prime UTR variant (2).
Genome position (GRCh38, 1-based): chr21:37,512,476, A>G. VCF-style: chr21-37512476-A-G. GRCh37 (hg19) VCF-style: chr21-38884779-A-G.
Other names: c.2210A>G, p.Glu737Gly (NM_001347722.2, NM_130436.2); c.2123A>G, p.Glu708Gly (NM_001347723.2); c.2237A>G, p.Glu746Gly (NM_001396.5); c.*613A>G (NM_101395.2); c.*522A>G (NM_130438.2); short protein forms E708G, E737G, E746G.
Identifiers: ClinVar variation 1703476 (VCV001703476.2), dbSNP rs2518098110, ClinGen allele CA409941811.
Genomic context (GRCh38, chr21:37,512,476, plus strand): 5'-CAGGTCCTGCACATTACATGACTGAAGGACATCTGACAATGAGGCAAGGGGCTGATAGAG[A>G]AGAGTCCCCCATGACAGGAGTTTGTGTGCAACAGAGTCCTGTAGCTAGCTCGTGACTACA-3'
Protein context (NP_001334650.1, residues 727-747): HLTMRQGADR[Glu737Gly]ESPMTGVCVQ

ClinVar aggregate classification (germline): Uncertain significance (1 of 4 stars; one submission).

Allele frequency attached by ClinVar (database versions not stated): gnomAD exomes below 0.00001.
gnomAD v4.1: 2 of 1,614,238 alleles (0.00012%); highest among the groups gnomAD compares: Non-Finnish European, 0.00017%; no homozygotes.

Submission:

GeneDx
Classification: Uncertain significance. Last evaluated: 2022-02-23. Review status: criteria provided, single submitter. Criteria: GeneDx Variant Classification Process June 2021. Collection method: clinical testing. Allele origin: germline. Affected: yes.
Comment: Not observed at significant frequency in large population cohorts (gnomAD); In silico analysis supports that this missense variant does not alter protein structure/function; Has not been previously published as pathogenic or benign to our knowledge